The following is an entry in ClinVar:

NM_024411.5(PDYN):c.*1443G>A

Genes: PDYN-AS1 (PDYN antisense RNA 1; plus strand), PDYN (prodynorphin; minus strand). Cytogenetic location: 20p13.
Variant type: single nucleotide variant.
Coding change: c.*1443G>A on transcript NM_024411.5 (MANE Select); 1443 bases downstream of the stop codon, G replaced by A.
Molecular consequence: 3 prime UTR variant.
Genome position (GRCh38, 1-based): chr20:1,978,880, C>T on the plus strand (G>A on the coding strand, the complement: PDYN is on the minus strand). VCF-style: chr20-1978880-C-T. GRCh37 (hg19) VCF-style: chr20-1959526-C-T.
Other names: c.*1443G>A (NM_001190892.1, NM_001190898.3, NM_001190899.2 and 1 more transcripts).
Identifiers: ClinVar variation 337807 (VCV000337807.6), dbSNP rs148395893, ClinGen allele CA10649385.

ClinVar aggregate classification (germline): Benign. Review status: criteria provided, multiple submitters, no conflicts (2 of 4 stars). 2 submissions from 2 submitters: Benign (2). Last evaluated 2018-01-13.

Conditions:
Spinocerebellar ataxia type 23 (SCA23). Identifiers: Orphanet 101108, MedGen C1853250, MONDO:0012449, OMIM 610245.

Allele frequency attached by ClinVar (database versions not stated): 1000 Genomes Project 0.00359; 1000 Genomes Project 30x 0.00422; TOPMed 0.00533; gnomAD 0.00620 and 0.00643.

Submissions (2):

Illumina Laboratory Services, Illumina
Classification: Benign for Spinocerebellar ataxia type 23. Last evaluated: 2018-01-13. Review status: criteria provided, single submitter. Criteria: ICSL Variant Classification Criteria 13 December 2019. Collection method: clinical testing. Allele origin: germline.
Comment: This variant was observed in the ICSL laboratory as part of a predisposition screen in an ostensibly healthy population. It had not been previously curated by ICSL or reported in the Human Gene Mutation Database (HGMD: prior to June 1st, 2018), and was therefore a candidate for classification through an automated scoring system. Utilizing variant allele frequency, disease prevalence and penetrance estimates, and inheritance mode, an automated score was calculated to assess if this variant is too frequent to cause the disease. Based on the score and internal cut-off values, a variant classified as benign is not then subjected to further curation. The score for this variant resulted in a classification of benign for this disease.

Breakthrough Genomics
Classification: Benign. Review status: criteria provided, single submitter. Criteria: ACMG Guidelines, 2015. Collection method: not provided. Allele origin: germline. Inheritance: Autosomal dominant inheritance. Affected: yes.